The following is an entry in ClinVar:

ClinVar aggregate classification (germline): Uncertain significance. Review status: criteria provided, multiple submitters, no conflicts (2 of 4 stars). 2 submissions from 2 submitters: Uncertain significance (2). Last evaluated 2025-09-16.

Conditions:
STAG1-related disorder. Also called: STAG1-related disorders.

Submissions (2):

PreventionGenetics, part of Exact Sciences
Classification: Uncertain significance for STAG1-related condition. Last evaluated: 2025-09-16. Review status: criteria provided, single submitter. Criteria: ACMG Guidelines, 2015. Collection method: clinical testing. Allele origin: germline.
Comment: The STAG1 c.292A>G variant is predicted to result in the amino acid substitution p.Met98Val. To our knowledge, this variant has not been reported in the literature or in a large population database (gnomAD), indicating this variant is rare. At this time, the clinical significance of this variant is uncertain due to the absence of conclusive functional and genetic evidence.

Labcorp Genetics (formerly Invitae), Labcorp
Classification: Uncertain significance. Last evaluated: 2025-08-11. Review status: criteria provided, single submitter. Criteria: Invitae Variant Classification Sherloc (09022015). Collection method: clinical testing. Allele origin: germline.
Comment: This sequence change replaces methionine, which is neutral and non-polar, with valine, which is neutral and non-polar, at codon 98 of the STAG1 protein (p.Met98Val). This variant is not present in population databases (gnomAD no frequency). This variant has not been reported in the literature in individuals affected with STAG1-related conditions. Invitae Evidence Modeling of protein sequence and biophysical properties (such as structural, functional, and spatial information, amino acid conservation, physicochemical variation, residue mobility, and thermodynamic stability) indicates that this missense variant is not expected to disrupt STAG1 protein function with a negative predictive value of 80%. In summary, the available evidence is currently insufficient to determine the role of this variant in disease. Therefore, it has been classified as a Variant of Uncertain Significance.

NM_005862.3(STAG1):c.292A>G (p.Met98Val)

Gene: STAG1 (STAG1 cohesin complex component; minus strand). Cytogenetic location: 3q22.3.
Variant type: single nucleotide variant.
Coding change: c.292A>G on transcript NM_005862.3 (MANE Select); coding-DNA position 292, A replaced by G.
Protein change: p.Met98Val; replaces methionine 98 with valine.
Molecular consequence: missense variant.
Genome position (GRCh38, 1-based): chr3:136,604,314, T>C on the plus strand (A>G on the coding strand, the complement: STAG1 is on the minus strand). VCF-style: chr3-136604314-T-C. GRCh37 (hg19) VCF-style: chr3-136323156-T-C.
Other names: c.292A>G (NM_005862.2); short protein forms M98V.
Identifiers: ClinVar variation 4761137 (VCV004761137.2).